The following is an entry in ClinVar:

ClinVar aggregate classification (germline): Uncertain significance. Review status: criteria provided, multiple submitters, no conflicts (2 of 4 stars). 3 submissions from 3 submitters: Uncertain significance (3). Last evaluated 2024-04-30.

Conditions:
Ehlers-Danlos syndrome, classic-like, 2. Identifiers: Orphanet 536532, MedGen C4693870, MONDO:0054813, OMIM 618000.

Allele frequency attached by ClinVar (database versions not stated): TOPMed 0.00006; ExAC 0.00007; gnomAD 0.00008; gnomAD exomes 0.00010 and 0.00012; ESP Exome Variant Server 0.00031.
gnomAD v4.1: 186 of 1,613,578 alleles (0.012%); highest among the groups gnomAD compares: Non-Finnish European, 0.014%; no homozygotes.

Submissions (3):

GeneDx
Classification: Uncertain significance. Last evaluated: 2024-04-30. Review status: criteria provided, single submitter. Criteria: GeneDx Variant Classification Process June 2021. Collection method: clinical testing. Allele origin: germline. Affected: yes.
Comment: Not observed at significant frequency in large population cohorts (gnomAD); In silico analysis indicates that this missense variant does not alter protein structure/function; Has not been previously published as pathogenic or benign to our knowledge

Labcorp Genetics (formerly Invitae), Labcorp
Classification: Uncertain significance. Last evaluated: 2023-12-07. Review status: criteria provided, single submitter. Criteria: Invitae Variant Classification Sherloc (09022015). Collection method: clinical testing. Allele origin: germline.
Comment: This sequence change replaces arginine, which is basic and polar, with glutamine, which is neutral and polar, at codon 453 of the AEBP1 protein (p.Arg453Gln). This variant is present in population databases (rs144784842, gnomAD 0.01%). This variant has not been reported in the literature in individuals affected with AEBP1-related conditions. ClinVar contains an entry for this variant (Variation ID: 1012797). An algorithm developed to predict the effect of missense changes on protein structure and function (PolyPhen-2) suggests that this variant¬†is likely to be tolerated. In summary, the available evidence is currently insufficient to determine the role of this variant in disease. Therefore, it has been classified as a Variant of Uncertain Significance.

CeGaT Center for Human Genetics Tuebingen
Classification: Uncertain significance. Last evaluated: 2020-12-01. Review status: criteria provided, single submitter. Criteria: CeGaT Center For Human Genetics Tuebingen Variant Classification Criteria Version 2. Collection method: clinical testing. Allele origin: germline. Affected: yes. Observed: 1 variant allele.

NM_001129.5(AEBP1):c.1358G>A (p.Arg453Gln)

Gene: AEBP1 (AE binding protein 1; plus strand). Cytogenetic location: 7p13.
Variant type: single nucleotide variant.
Coding change: c.1358G>A on transcript NM_001129.5 (MANE Select); coding-DNA position 1358, G replaced by A.
Protein change: p.Arg453Gln; replaces arginine 453 with glutamine.
Molecular consequence: missense variant.
Genome position (GRCh38, 1-based): chr7:44,110,304, G>A. VCF-style: chr7-44110304-G-A. GRCh37 (hg19) VCF-style: chr7-44149903-G-A.
Other names: c.1358G>A (NM_001129.4); short protein forms R453Q.
Identifiers: ClinVar variation 1012797 (VCV001012797.43), dbSNP rs144784842, ClinGen allele CA4237866.
Genomic context (GRCh38, chr7:44,110,304, plus strand): 5'-GGTGTGCCGAGGACGATGCCAGGACCCAGTGGATAGAGGTGGACACCAGGAGGACTACCC[G>A]GTTCACAGGCGTCATCACCCAGGGCAGAGACTCCAGCATCCAGTGCGTGGCCAGGCTCAT-3'
Protein context (NP_001120.3, residues 443-463): WIEVDTRRTT[Arg453Gln]FTGVITQGRD